The following is an entry in ClinVar:

NM_001130987.2(DYSF):c.1286C>T (p.Ala429Val)

Gene: DYSF (dysferlin; plus strand). Cytogenetic location: 2p13.2.
Variant type: single nucleotide variant.
Coding change: c.1286C>T on transcript NM_001130987.2 (MANE Select); coding-DNA position 1286, C replaced by T.
Protein change: p.Ala429Val; replaces alanine 429 with valine.
Molecular consequence: missense variant.
Genome position (GRCh38, 1-based): chr2:71,528,307, C>T. VCF-style: chr2-71528307-C-T. GRCh37 (hg19) VCF-style: chr2-71755437-C-T.
Other names: c.1193C>T, p.Ala398Val (NM_001130455.2, NM_001130983.2, NM_001130984.2 and 1 more transcripts); c.1190C>T, p.Ala397Val (NM_001130976.2, NM_001130977.2, NM_001130978.2 and 1 more transcripts); c.1283C>T, p.Ala428Val (NM_001130979.2, NM_001130980.2, NM_001130981.2); c.1286C>T, p.Ala429Val (NM_001130982.2, NM_001130985.2); short protein forms A398V, A397V, A428V, A429V.
Identifiers: ClinVar variation 847476 (VCV000847476.7), dbSNP rs925623903, ClinGen allele CA49773228.

ClinVar aggregate classification (germline): Uncertain significance. Review status: criteria provided, multiple submitters, no conflicts (2 of 4 stars). 3 submissions from 3 submitters: Uncertain significance (2). 1 of the submissions does not count toward it. Last evaluated 2022-11-09.

Conditions:
Neuromuscular disease caused by qualitative or quantitative defects of dysferlin. Also called: Qualitative or quantitative defects of dysferlin; Dysferlinopathy. Identifiers: Orphanet 207073, MedGen C2931687, MONDO:0016145.
Autosomal recessive limb-girdle muscular dystrophy type 2B (LGMDR2). Also called: Limb-Girdle Muscular Dystrophy Type 2B (LGMD2B); MUSCULAR DYSTROPHY, LIMB-GIRDLE, TYPE 3; MUSCULAR DYSTROPHY, LIMB-GIRDLE, AUTOSOMAL RECESSIVE 2; Limb-girdle muscular dystrophy, type 2B. Identifiers: Orphanet 268, MedGen C1850889, MONDO:0009676, OMIM 253601.

Allele frequency attached by ClinVar (database versions not stated): gnomAD 0.00001; gnomAD exomes 0.00001; TOPMed 0.00002.
gnomAD v4.1: 1 of 1,613,646 alleles (0.000062%); highest among the groups gnomAD compares: African/African-American, 0.0013%; no homozygotes.

Submissions (3):

Revvity Omics, Revvity
Classification: Uncertain significance. Last evaluated: 2022-11-09. Review status: criteria provided, single submitter. Criteria: ACMG Guidelines, 2015. Collection method: clinical testing. Allele origin: germline.

Labcorp Genetics (formerly Invitae), Labcorp
Classification: Uncertain significance for Neuromuscular disease caused by qualitative or quantitative defects of dysferlin. Last evaluated: 2022-02-05. Review status: criteria provided, single submitter. Criteria: Invitae Variant Classification Sherloc (09022015). Collection method: clinical testing. Allele origin: germline.
Comment: This sequence change replaces alanine, which is neutral and non-polar, with valine, which is neutral and non-polar, at codon 397 of the DYSF protein (p.Ala397Val). The frequency data for this variant in the population databases is considered unreliable, as metrics indicate poor data quality at this position in the gnomAD database. This variant has not been reported in the literature in individuals affected with DYSF-related conditions. ClinVar contains an entry for this variant (Variation ID: 847476). Algorithms developed to predict the effect of missense changes on protein structure and function are either unavailable or do not agree on the potential impact of this missense change (SIFT: "Deleterious"; PolyPhen-2: "Probably Damaging"; Align-GVGD: "Class C0"). In summary, the available evidence is currently insufficient to determine the role of this variant in disease. Therefore, it has been classified as a Variant of Uncertain Significance.

Natera, Inc.
Classification: Uncertain significance for Limb-girdle muscular dystrophy type 2B. Last evaluated: 2020-07-29. Review status: no assertion criteria provided. Collection method: clinical testing. Allele origin: germline. Not counted in ClinVar's aggregate classification.